The following is an entry in ClinVar:

ClinVar aggregate classification (germline): Uncertain significance (1 of 4 stars; one submission).

Conditions:
Autosomal recessive limb-girdle muscular dystrophy type 2O. Also called: Limb-Girdle Muscular Dystrophy Type 3C; MUSCULAR DYSTROPHY-DYSTROGLYCANOPATHY (LIMB-GIRDLE), TYPE C, 3; MUSCULAR DYSTROPHY-DYSTROGLYCANOPATHY, LIMB-GIRDLE, POMGNT1-RELATED. Identifiers: Orphanet 206564, MedGen C3150417, MONDO:0013161, OMIM 613157.
Muscular dystrophy-dystroglycanopathy (congenital with impaired intellectual development), type B, 3. Also called: Muscular dystrophy-dystroglycanopathy (congenital with intellectual disability), type B3; MUSCULAR DYSTROPHY, CONGENITAL, POMGNT1-RELATED. Identifiers: MedGen C3150412, MONDO:0013155, OMIM 613151.

Submission:

Labcorp Genetics (formerly Invitae), Labcorp
Classification: Uncertain significance for Autosomal recessive limb-girdle muscular dystrophy type 2O; Muscular dystrophy-dystroglycanopathy (congenital with impaired intellectual development), type B, 3. Last evaluated: 2025-07-21. Review status: criteria provided, single submitter. Criteria: Invitae Variant Classification Sherloc (09022015). Collection method: clinical testing. Allele origin: germline.
Comment: This sequence change replaces glutamic acid, which is acidic and polar, with lysine, which is basic and polar, at codon 571 of the POMGNT1 protein (p.Glu571Lys). This variant is not present in population databases (gnomAD no frequency). This variant has not been reported in the literature in individuals affected with POMGNT1-related conditions. ClinVar contains an entry for this variant (Variation ID: 2103628). Invitae Evidence Modeling of protein sequence and biophysical properties (such as structural, functional, and spatial information, amino acid conservation, physicochemical variation, residue mobility, and thermodynamic stability) indicates that this missense variant is not expected to disrupt POMGNT1 protein function with a negative predictive value of 95%. In summary, the available evidence is currently insufficient to determine the role of this variant in disease. Therefore, it has been classified as a Variant of Uncertain Significance.

NM_017739.4(POMGNT1):c.1711G>A (p.Glu571Lys)

Genes: POMGNT1 (protein O-linked mannose N-acetylglucosaminyltransferase 1 (beta 1,2-); minus strand), TSPAN1 (tetraspanin 1; plus strand). Cytogenetic location: 1p34.1.
Variant type: single nucleotide variant.
Coding change: c.1711G>A on transcript NM_017739.4 (MANE Select); coding-DNA position 1711, G replaced by A.
Protein change: p.Glu571Lys; replaces glutamic acid 571 with lysine.
Molecular consequence: missense variant.
Genome position (GRCh38, 1-based): chr1:46,189,928, C>T on the plus strand (G>A on the coding strand, the complement: POMGNT1 is on the minus strand). VCF-style: chr1-46189928-C-T. GRCh37 (hg19) VCF-style: chr1-46655600-C-T.
Other names: c.1711G>A, p.Glu571Lys (NM_001410783.1, NM_001243766.2); c.1645G>A, p.Glu549Lys (NM_001290129.3); c.1282G>A, p.Glu428Lys (NM_001290130.2); short protein forms E571K, E428K, E549K.
Identifiers: ClinVar variation 2103628 (VCV002103628.4), dbSNP rs2525344536, ClinGen allele CA340171444.